The following is an entry in ClinVar:

ClinVar aggregate classification (germline): Likely pathogenic (1 of 4 stars; one submission).

Conditions:
Hereditary spastic paraplegia 15 (SPG15). Also called: SPASTIC PARAPLEGIA 15, AUTOSOMAL RECESSIVE; KJELLIN SYNDROME; SPASTIC PARAPLEGIA AND RETINAL DEGENERATION. Identifiers: Orphanet 100996, MedGen C1849128, MONDO:0010044, OMIM 270700.

Submission:

Myriad Genetics, Inc.
Classification: Likely pathogenic for Hereditary spastic paraplegia 15. Last evaluated: 2022-02-03. Review status: criteria provided, single submitter. Criteria: Myriad Women's Health Autosomal Recessive and X-Linked Classification Criteria (2021). Collection method: clinical testing. Allele origin: unknown.
Comment: NM_015346.3(ZFYVE26):c.944delA(N315Tfs*14) is expected to be pathogenic in the context of spastic paraplegia type 15. This variant is predicted to lead to an abnormal or absent protein product due to the creation of a premature termination codon in ZFYVE26, a gene where loss-of-function variants are known to be pathogenic. Please note: this variant was assessed in the context of healthy population screening.

NM_015346.4(ZFYVE26):c.944del (p.Asn315fs)

Gene: ZFYVE26 (zinc finger FYVE-type containing 26; minus strand). Cytogenetic location: 14q24.1.
Variant type: Deletion.
Coding change: c.944del on transcript NM_015346.4 (MANE Select); coding-DNA position 944, one base deleted (A; older notation c.944delA).
Protein change: p.Asn315fs; shifts the reading frame from asparagine 315.
Molecular consequence: frameshift variant.
Genome position (GRCh38, 1-based): chr14:67,806,618, T deleted on the plus strand (A on the coding strand, the reverse complement: ZFYVE26 is on the minus strand); the first of 2 consecutive T bases (chr14:67,806,618-67,806,619); deleting either gives the same sequence. VCF-style (leftmost placement, unchanged base first): chr14-67806617-GT-G. GRCh37 (hg19) VCF-style: chr14-68273334-GT-G.
Other names: short protein forms N315fs.
Identifiers: ClinVar variation 1724273 (VCV001724273.2), dbSNP rs2502877151, ClinGen allele CA2580088591.